The following is an entry in ClinVar:

ClinVar aggregate classification (germline): Likely benign. Review status: criteria provided, multiple submitters, no conflicts (2 of 4 stars). 2 submissions from 2 submitters: Likely benign (2). Last evaluated 2022-03-14.

Conditions:
Dilated cardiomyopathy 1G (CMD1G). Identifiers: Orphanet 154, MedGen C1858763, MONDO:0011400, OMIM 604145.
Autosomal recessive limb-girdle muscular dystrophy type 2J (LGMDR10). Also called: Limb-girdle muscular dystrophy, type 2J; MUSCULAR DYSTROPHY, LIMB-GIRDLE, AUTOSOMAL RECESSIVE 10. Identifiers: Orphanet 140922, MedGen C1837342, MONDO:0012127, OMIM 608807.

Allele frequency attached by ClinVar (database versions not stated): gnomAD exomes below 0.00001.
gnomAD v4.1: 1 of 1,613,132 alleles (0.000062%); highest among the groups gnomAD compares: African/African-American, 0.0013%; no homozygotes.

Submissions (2):

Labcorp Genetics (formerly Invitae), Labcorp
Classification: Likely benign for Dilated cardiomyopathy 1G; Autosomal recessive limb-girdle muscular dystrophy type 2J. Last evaluated: 2022-03-14. Review status: criteria provided, single submitter. Criteria: Invitae Variant Classification Sherloc (09022015). Collection method: clinical testing. Allele origin: germline.

GeneDx
Classification: Likely benign. Last evaluated: 2017-08-08. Review status: criteria provided, single submitter. Criteria: GeneDx Variant Classification (06012015). Collection method: clinical testing. Allele origin: germline. Affected: yes.
Comment: This variant is considered likely benign or benign based on one or more of the following criteria: it is a conservative change, it occurs at a poorly conserved position in the protein, it is predicted to be benign by multiple in silico algorithms, and/or has population frequency not consistent with disease.

NM_001267550.2(TTN):c.100044G>A (p.Val33348=)

Genes: TTN (titin; minus strand), TTN-AS1 (TTN antisense RNA 1; plus strand), LOC126806420 (BRD4-independent group 4 enhancer GRCh37_chr2:179401104-179402303; plus strand). Cytogenetic location: 2q31.2.
Variant type: single nucleotide variant.
Coding change: c.100044G>A on transcript NM_001267550.2 (MANE Select); coding-DNA position 100044, G replaced by A.
Protein change: p.Val33348=; no amino-acid change (valine 33348 retained).
Molecular consequence: synonymous variant.
Genome position (GRCh38, 1-based): chr2:178,537,065, C>T on the plus strand (G>A on the coding strand, the complement: TTN is on the minus strand). VCF-style: chr2-178537065-C-T. GRCh37 (hg19) VCF-style: chr2-179401792-C-T.
Other names: c.95121G>A, p.Val31707= (NM_001256850.1); c.72849G>A, p.Val24283= (NM_003319.4); c.92340G>A, p.Val30780= (NM_133378.4); c.73224G>A, p.Val24408= (NM_133432.3); c.73425G>A, p.Val24475= (NM_133437.4).
Identifiers: ClinVar variation 511437 (VCV000511437.6), dbSNP rs56080118, ClinGen allele CA60961213.